The following is an entry in ClinVar:

ClinVar aggregate classification (germline): Uncertain significance. Review status: criteria provided, multiple submitters, no conflicts (2 of 4 stars). 2 submissions from 2 submitters: Uncertain significance (2). Last evaluated 2023-03-27.

Allele frequency attached by ClinVar (database versions not stated): ExAC below 0.00001; TOPMed 0.00003; ESP Exome Variant Server 0.00022.

Submissions (2):

Ambry Genetics
Classification: Uncertain significance. Last evaluated: 2023-03-27. Review status: criteria provided, single submitter. Criteria: Ambry Variant Classification Scheme 2023. Collection method: clinical testing. Allele origin: germline.

Labcorp Genetics (formerly Invitae), Labcorp
Classification: Uncertain significance. Last evaluated: 2022-07-12. Review status: criteria provided, single submitter. Criteria: Invitae Variant Classification Sherloc (09022015). Collection method: clinical testing. Allele origin: germline.
Comment: This sequence change replaces alanine, which is neutral and non-polar, with valine, which is neutral and non-polar, at codon 238 of the KPNA7 protein (p.Ala238Val). The frequency data for this variant in the population databases is considered unreliable, as metrics indicate poor data quality at this position in the gnomAD database. This variant has not been reported in the literature in individuals affected with KPNA7-related conditions. ClinVar contains an entry for this variant (Variation ID: 1022050). Algorithms developed to predict the effect of missense changes on protein structure and function output the following: SIFT: "Tolerated"; PolyPhen-2: "Benign"; Align-GVGD: "Class C0". The valine amino acid residue is found in multiple mammalian species, which suggests that this missense change does not adversely affect protein function. In summary, the available evidence is currently insufficient to determine the role of this variant in disease. Therefore, it has been classified as a Variant of Uncertain Significance.

NM_001145715.3(KPNA7):c.713C>T (p.Ala238Val)

Gene: KPNA7 (karyopherin subunit alpha 7; minus strand). Cytogenetic location: 7q22.1.
Variant type: single nucleotide variant.
Coding change: c.713C>T on transcript NM_001145715.3 (MANE Select); coding-DNA position 713, C replaced by T.
Protein change: p.Ala238Val; replaces alanine 238 with valine.
Molecular consequence: missense variant.
Genome position (GRCh38, 1-based): chr7:99,188,487, G>A on the plus strand (C>T on the coding strand, the complement: KPNA7 is on the minus strand). VCF-style: chr7-99188487-G-A. GRCh37 (hg19) VCF-style: chr7-98786110-G-A.
Other names: c.713C>T (NM_001145715.1); short protein forms A238V.
Identifiers: ClinVar variation 1022050 (VCV001022050.6), dbSNP rs370351226, ClinGen allele CA4363201.